The following is an entry in ClinVar:

ClinVar aggregate classification (germline): Uncertain significance. Review status: criteria provided, multiple submitters, no conflicts (2 of 4 stars). 2 submissions from 2 submitters: Uncertain significance (2). Last evaluated 2023-05-26.

Allele frequency attached by ClinVar (database versions not stated): gnomAD 0.00001; gnomAD exomes 0.00001 and 0.00003; ExAC 0.00005.
gnomAD v4.1: 18 of 1,609,810 alleles (0.0011%); highest among the groups gnomAD compares: Admixed American, 0.0067%; no homozygotes.

Submissions (2):

Ambry Genetics
Classification: Uncertain significance. Last evaluated: 2023-05-26. Review status: criteria provided, single submitter. Criteria: Ambry Variant Classification Scheme 2023. Collection method: clinical testing. Allele origin: germline.

Labcorp Genetics (formerly Invitae), Labcorp
Classification: Uncertain significance. Last evaluated: 2022-01-14. Review status: criteria provided, single submitter. Criteria: Invitae Variant Classification Sherloc (09022015). Collection method: clinical testing. Allele origin: germline.
Comment: This sequence change replaces arginine, which is basic and polar, with tryptophan, which is neutral and slightly polar, at codon 44 of the PAM16 protein (p.Arg44Trp). This variant is present in population databases (rs781160994, gnomAD 0.009%). This variant has not been reported in the literature in individuals affected with PAM16-related conditions. Algorithms developed to predict the effect of missense changes on protein structure and function are either unavailable or do not agree on the potential impact of this missense change (SIFT: "Deleterious"; PolyPhen-2: "Possibly Damaging"; Align-GVGD: "Class C15"). In summary, the available evidence is currently insufficient to determine the role of this variant in disease. Therefore, it has been classified as a Variant of Uncertain Significance.

NM_016069.11(PAM16):c.130C>T (p.Arg44Trp)

Genes: CORO7-PAM16 (CORO7-PAM16 readthrough; minus strand), PAM16 (presequence translocase associated motor 16; minus strand). Cytogenetic location: 16p13.3.
Variant type: single nucleotide variant.
Coding change: c.130C>T on transcript NM_016069.11 (MANE Select); coding-DNA position 130, C replaced by T.
Protein change: p.Arg44Trp; replaces arginine 44 with tryptophan.
Molecular consequence: missense variant.
Genome position (GRCh38, 1-based): chr16:4,341,463, G>A on the plus strand (C>T on the coding strand, the complement: PAM16 is on the minus strand). VCF-style: chr16-4341463-G-A. GRCh37 (hg19) VCF-style: chr16-4391464-G-A.
Other names: c.2899C>T, p.Arg967Trp (NM_001201479.2); short protein forms R967W, R44W.
Identifiers: ClinVar variation 1395173 (VCV001395173.6), dbSNP rs781160994, ClinGen allele CA7873442.